The following is an entry in ClinVar:

NM_015030.2(FRYL):c.577C>T (p.Gln193Ter)

Gene: FRYL (FRY like transcription coactivator; minus strand). Cytogenetic location: 4p11.
Variant type: single nucleotide variant.
Coding change: c.577C>T on transcript NM_015030.2 (MANE Select); coding-DNA position 577, C replaced by T.
Protein change: p.Gln193Ter; replaces glutamine 193 with a stop codon.
Molecular consequence: nonsense.
Genome position (GRCh38, 1-based): chr4:48,606,602, G>A on the plus strand (C>T on the coding strand, the complement: FRYL is on the minus strand). VCF-style: chr4-48606602-G-A. GRCh37 (hg19) VCF-style: chr4-48608619-G-A.
Other names: short protein forms Q193*.
Identifiers: ClinVar variation 4855429 (VCV004855429.1).

ClinVar aggregate classification (germline): Likely pathogenic (1 of 4 stars; one submission).

Conditions:
Pan-Chung-Bellen syndrome. Identifiers: MedGen C5975547, MONDO:0975953, OMIM 621049.

Submission:

3billion
Classification: Likely pathogenic for Pan-Chung-Bellen syndrome. Last evaluated: 2025-08-07. Review status: criteria provided, single submitter. Criteria: ACMG Guidelines, 2015. Collection method: clinical testing. Allele origin: germline. Affected: yes.
Comment: The variant is not observed in the gnomAD v4.1.0 dataset. Predicted Consequence/Location: Stop-gained (nonsense): predicted to result in a loss or disruption of normal protein function through nonsense-mediated decay (NMD) or protein truncation. Multiple pathogenic variants are reported downstream of the variant. Therefore, this variant is classified as Likely pathogenic according to the recommendation of ACMG/AMP guideline.